The following is an entry in ClinVar:

ClinVar aggregate classification (germline): Uncertain significance (1 of 4 stars; one submission).

Submission:

Women's Health and Genetics/Laboratory Corporation of America, LabCorp
Classification: Uncertain significance. Last evaluated: 2024-04-30. Review status: criteria provided, single submitter. Criteria: LabCorp Variant Classification Summary - May 2015. Collection method: clinical testing. Allele origin: germline.
Comment: Variant summary: CFTR c.3084G>A (p.Met1028Ile) results in a conservative amino acid change in the encoded protein sequence. Five of five in-silico tools predict a benign effect of the variant on protein function. The variant allele was found at a frequency of 4e-06 in 250970 control chromosomes (gnomAD). The available data on variant occurrences in the general population are insufficient to allow any conclusion about variant significance. To our knowledge, no occurrence of c.3084G>A in individuals affected with Cystic Fibrosis and no experimental evidence demonstrating its impact on protein function have been reported. No submitters have cited clinical-significance assessments for this variant to ClinVar. Based on the evidence outlined above, the variant was classified as uncertain significance.

NM_000492.4(CFTR):c.3084G>A (p.Met1028Ile)

Genes: CFTR (CF transmembrane conductance regulator; plus strand), CFTR-AS2 (CFTR antisense RNA 2; minus strand), LOC111674472 (DNase I hypersensitive sites in introns 16 and 17a of CFTR; plus strand). Cytogenetic location: 7q31.2.
Variant type: single nucleotide variant.
Coding change: c.3084G>A on transcript NM_000492.4 (MANE Select); coding-DNA position 3084, G replaced by A.
Protein change: p.Met1028Ile; replaces methionine 1028 with isoleucine.
Molecular consequence: missense variant.
Genome position (GRCh38, 1-based): chr7:117,610,614, G>A. VCF-style: chr7-117610614-G-A. GRCh37 (hg19) VCF-style: chr7-117250668-G-A.
Other names: short protein forms M1028I.
Identifiers: ClinVar variation 3251635 (VCV003251635.1), dbSNP rs200553511.